The following is an entry in ClinVar:

NM_001110556.2(FLNA):c.2930C>A (p.Ser977Tyr)

Gene: FLNA (filamin A; minus strand). Cytogenetic location: Xq28.
Variant type: single nucleotide variant.
Coding change: c.2930C>A on transcript NM_001110556.2 (MANE Select); coding-DNA position 2930, C replaced by A.
Protein change: p.Ser977Tyr; replaces serine 977 with tyrosine.
Molecular consequence: missense variant.
Genome position (GRCh38, 1-based): chrX:154,361,684, G>T on the plus strand (C>A on the coding strand, the complement: FLNA is on the minus strand). VCF-style: chrX-154361684-G-T. GRCh37 (hg19) VCF-style: chrX-153590052-G-T.
Other names: c.2930C>A, p.Ser977Tyr (NM_001456.4); short protein forms S977Y.
Identifiers: ClinVar variation 1999142 (VCV001999142.4), dbSNP rs2522745709, ClinGen allele CA415231360.
Genomic context (GRCh38, chrX:154,361,684, plus strand): 5'-CCTGGATGTGACAAAGGCCTTTGCGACAAGGGCCCCAACTACTTACTCTCTCCCAGGCCA[G>T]ACACCTTGATCTTGCTGAGGTCCAGGCTTGGAGATACTGCCACTGAGAAAGGGCTCTTAG-3'
Protein context (NP_001104026.1, residues 967-987): PSLDLSKIKV[Ser977Tyr]GLGEKVDVGK

ClinVar aggregate classification (germline): Uncertain significance (1 of 4 stars; one submission).

Conditions:
Oto-palato-digital syndrome, type II (OPD2). Also called: FACIOPALATOOSSEOUS SYNDROME; OPD II SYNDROME; Otopalatodigital Syndrome Type 2 (FLNA-OPD2); Otopalatodigital Syndrome, Type II. Identifiers: Orphanet 669, Orphanet 90652, MedGen C1844696, MONDO:0010571, OMIM 304120.
Melnick-Needles syndrome (MNS). Also called: MELNICK-NEEDLES OSTEODYSPLASTY; OSTEODYSPLASTY OF MELNICK AND NEEDLES; Melnick-Needles Syndrome (FLNA-MNS). Identifiers: Orphanet 2484, MedGen C0025237, MONDO:0010650, OMIM 309350.
Frontometaphyseal dysplasia (FMD1). Identifiers: Orphanet 1826, MedGen C0265293, MONDO:0015942.
Heterotopia, periventricular, X-linked dominant (PVNH1). Also called: PERIVENTRICULAR NODULAR HETEROTOPIA 1; X-linked periventricular heterotopia; PERIVENTRICULAR NODULAR HETEROTOPIA 4; HETEROTOPIA, PERIVENTRICULAR, 1. Identifiers: Orphanet 2149, Orphanet 82004, MedGen C1848213, MONDO:0010233, OMIM 300049.

Submission:

Labcorp Genetics (formerly Invitae), Labcorp
Classification: Uncertain significance for Oto-palato-digital syndrome, type II; Heterotopia, periventricular, X-linked dominant; Frontometaphyseal dysplasia; Melnick-Needles syndrome. Last evaluated: 2022-05-26. Review status: criteria provided, single submitter. Criteria: Invitae Variant Classification Sherloc (09022015). Collection method: clinical testing. Allele origin: germline.
Comment: In summary, the available evidence is currently insufficient to determine the role of this variant in disease. Therefore, it has been classified as a Variant of Uncertain Significance. Advanced modeling of protein sequence and biophysical properties (such as structural, functional, and spatial information, amino acid conservation, physicochemical variation, residue mobility, and thermodynamic stability) performed at Invitae indicates that this missense variant is not expected to disrupt FLNA protein function. This variant has not been reported in the literature in individuals affected with FLNA-related conditions. This variant is not present in population databases (gnomAD no frequency). This sequence change replaces serine, which is neutral and polar, with tyrosine, which is neutral and polar, at codon 977 of the FLNA protein (p.Ser977Tyr).